The following is an entry in ClinVar:

NM_001252024.2(TRPM1):c.2080A>G (p.Asn694Asp)

Gene: TRPM1 (transient receptor potential cation channel subfamily M member 1; minus strand). Cytogenetic location: 15q13.3.
Variant type: single nucleotide variant.
Coding change: c.2080A>G on transcript NM_001252024.2 (MANE Select); coding-DNA position 2080, A replaced by G.
Protein change: p.Asn694Asp; replaces asparagine 694 with aspartic acid.
Molecular consequence: missense variant.
Genome position (GRCh38, 1-based): chr15:31,041,958, T>C on the plus strand (A>G on the coding strand, the complement: TRPM1 is on the minus strand). VCF-style: chr15-31041958-T-C. GRCh37 (hg19) VCF-style: chr15-31334161-T-C.
Other names: c.2131A>G, p.Asn711Asp (NM_001252020.2); c.2014A>G, p.Asn672Asp (NM_002420.6); short protein forms N672D, N694D, N711D.
Identifiers: ClinVar variation 1720642 (VCV001720642.5), dbSNP rs769662420, ClinGen allele CA7452338.

ClinVar aggregate classification (germline): Uncertain significance (1 of 4 stars; one submission).

Allele frequency attached by ClinVar (database versions not stated): ExAC 0.00001; gnomAD exomes below 0.00001.
gnomAD v4.1: 7 of 1,614,098 alleles (0.00043%); highest among the groups gnomAD compares: Non-Finnish European, 0.00059%; no homozygotes.

Submission:

Labcorp Genetics (formerly Invitae), Labcorp
Classification: Uncertain significance. Last evaluated: 2025-05-29. Review status: criteria provided, single submitter. Criteria: Invitae Variant Classification Sherloc (09022015). Collection method: clinical testing. Allele origin: germline.
Comment: This sequence change replaces asparagine, which is neutral and polar, with aspartic acid, which is acidic and polar, at codon 672 of the TRPM1 protein (p.Asn672Asp). This variant is present in population databases (rs769662420, gnomAD 0.0009%). This variant has not been reported in the literature in individuals affected with TRPM1-related conditions. ClinVar contains an entry for this variant (Variation ID: 1720642). Invitae Evidence Modeling of protein sequence and biophysical properties (such as structural, functional, and spatial information, amino acid conservation, physicochemical variation, residue mobility, and thermodynamic stability) indicates that this missense variant is not expected to disrupt TRPM1 protein function with a negative predictive value of 95%. In summary, the available evidence is currently insufficient to determine the role of this variant in disease. Therefore, it has been classified as a Variant of Uncertain Significance.